The following is an entry in ClinVar:

ClinVar aggregate classification (germline): Uncertain significance. Review status: criteria provided, multiple submitters, no conflicts (2 of 4 stars). 2 submissions from 2 submitters: Uncertain significance (2). Last evaluated 2021-11-16.

Conditions:
Amelogenesis imperfecta type 1G (AI1G). Also called: Amelogenesis imperfecta nephrocalcinosis; Enamel renal syndrome; Absent enamel, nephrocalcinosis and apparently normal calcium metabolism; Generalized enamel hypoplasia and renal dysfunction; Amelogenesis imperfecta-gingival hyperplasia syndrome; AMELOGENESIS IMPERFECTA, TYPE IG. Identifiers: Orphanet 1031, Orphanet 171836, MedGen C2931783, MONDO:0008771, OMIM 204690. Disease mechanism: loss of function.

Submissions (2):

Fulgent Genetics
Classification: Uncertain significance for Amelogenesis imperfecta type 1G. Last evaluated: 2021-11-16. Review status: criteria provided, single submitter. Criteria: ACMG Guidelines, 2015. Collection method: clinical testing. Allele origin: unknown.

Labcorp Genetics (formerly Invitae), Labcorp
Classification: Uncertain significance. Last evaluated: 2021-10-13. Review status: criteria provided, single submitter. Criteria: Invitae Variant Classification Sherloc (09022015). Collection method: clinical testing. Allele origin: germline.
Comment: In summary, the available evidence is currently insufficient to determine the role of this variant in disease. Therefore, it has been classified as a Variant of Uncertain Significance. This sequence change replaces tyrosine with histidine at codon 253 of the FAM20A protein (p.Tyr253His). The tyrosine residue is highly conserved and there is a moderate physicochemical difference between tyrosine and histidine. This variant is not present in population databases (ExAC no frequency). This variant has not been reported in the literature in individuals affected with FAM20A-related conditions. Algorithms developed to predict the effect of missense changes on protein structure and function are either unavailable or do not agree on the potential impact of this missense change (SIFT: "Deleterious"; PolyPhen-2: "Probably Damaging"; Align-GVGD: "Class C0").

NM_017565.4(FAM20A):c.757T>C (p.Tyr253His)

Genes: FAM20A (FAM20A golgi associated secretory pathway pseudokinase; minus strand), PRKAR1A (protein kinase cAMP-dependent type I regulatory subunit alpha; plus strand). Cytogenetic location: 17q24.2.
Variant type: single nucleotide variant.
Coding change: c.757T>C on transcript NM_017565.4 (MANE Select); coding-DNA position 757, T replaced by C.
Protein change: p.Tyr253His; replaces tyrosine 253 with histidine.
Molecular consequence: missense variant. On other transcripts: non-coding transcript variant (1), intron variant (1).
Genome position (GRCh38, 1-based): chr17:68,543,684, A>G on the plus strand (T>C on the coding strand, the complement: FAM20A is on the minus strand). VCF-style: chr17-68543684-A-G. GRCh37 (hg19) VCF-style: chr17-66539825-A-G.
Other names: c.343T>C, p.Tyr115His (NM_001243746.2); c.974-7400A>G (NM_001276290.1); short protein forms Y253H, Y115H.
Identifiers: ClinVar variation 1373219 (VCV001373219.7), dbSNP rs2143526028, ClinGen allele CA400759448.
Genomic context (GRCh38, chr17:68,543,684, plus strand): 5'-CCTACCTGTCCAGATGGAAAGCTGCGATCTCAGCATTGTGTCTCTGAAAGTCAATGAAGT[A>G]GAAGAAGTCCACTGGTGTCTCCTCATCTCGCTGCTGTCTGGAAGGAAGGAAGGAATCACG-3'
Protein context (NP_060035.2, residues 243-263): RDEETPVDFF[Tyr253His]FIDFQRHNAE